The following is an entry in ClinVar:

ClinVar aggregate classification (germline): Uncertain significance (1 of 4 stars; one submission).

Submission:

GeneDx
Classification: Uncertain significance. Last evaluated: 2023-10-24. Review status: criteria provided, single submitter. Criteria: GeneDx Variant Classification Process June 2021. Collection method: clinical testing. Allele origin: germline. Affected: yes.
Comment: Not observed at significant frequency in large population cohorts (gnomAD); In silico analysis suggests this variant may impact gene splicing. In the absence of RNA/functional studies, the actual effect of this sequence change is unknown.; Has not been previously published as pathogenic or benign to our knowledge

NM_003590.5(CUL3):c.1206G>T (p.Gly402=)

Gene: CUL3 (cullin 3; minus strand). Cytogenetic location: 2q36.2.
Variant type: single nucleotide variant.
Coding change: c.1206G>T on transcript NM_003590.5 (MANE Select); coding-DNA position 1206, G replaced by T.
Protein change: p.Gly402=; no amino-acid change (glycine 402 retained).
Molecular consequence: synonymous variant.
Genome position (GRCh38, 1-based): chr2:224,505,956, C>A on the plus strand (G>T on the coding strand, the complement: CUL3 is on the minus strand). VCF-style: chr2-224505956-C-A. GRCh37 (hg19) VCF-style: chr2-225370673-C-A.
Other names: c.1008G>T, p.Gly336= (NM_001257197.2); c.1224G>T, p.Gly408= (NM_001257198.2).
Identifiers: ClinVar variation 3366166 (VCV003366166.1).